The following is an entry in ClinVar:

NM_032043.3(BRIP1):c.2699C>A (p.Thr900Asn)

Gene: BRIP1 (BRCA1 interacting DNA helicase 1; minus strand). Cytogenetic location: 17q23.2.
Variant type: single nucleotide variant.
Coding change: c.2699C>A on transcript NM_032043.3 (MANE Select); coding-DNA position 2699, C replaced by A.
Protein change: p.Thr900Asn; replaces threonine 900 with asparagine.
Molecular consequence: missense variant.
Genome position (GRCh38, 1-based): chr17:61,686,042, G>T on the plus strand (C>A on the coding strand, the complement: BRIP1 is on the minus strand). VCF-style: chr17-61686042-G-T. GRCh37 (hg19) VCF-style: chr17-59763403-G-T.
Other names: short protein forms T900N.
Identifiers: ClinVar variation 644119 (VCV000644119.9), dbSNP rs1359809807, ClinGen allele CA400481715.

ClinVar aggregate classification (germline): Uncertain significance (1 of 4 stars; one submission).

Conditions:
Familial cancer of breast. Also called: hereditary breast carcinoma; BREAST CANCER, FAMILIAL; Hereditary breast cancer. Identifiers: Orphanet 227535, MedGen C0346153, MONDO:0016419, OMIM 114480. Disease mechanism: loss of function.
Fanconi anemia complementation group J. Also called: BRIP1-Related Fanconi Anemia. Identifiers: Orphanet 84, MedGen C1836860, MONDO:0012187, OMIM 609054.

gnomAD v4.1: 1 of 1,613,684 alleles (0.000062%); highest among the groups gnomAD compares: Non-Finnish European, 0.000085%; no homozygotes.

Submission:

Labcorp Genetics (formerly Invitae), Labcorp
Classification: Uncertain significance for Familial cancer of breast; Fanconi anemia complementation group J. Last evaluated: 2024-05-13. Review status: criteria provided, single submitter. Criteria: Invitae Variant Classification Sherloc (09022015). Collection method: clinical testing. Allele origin: germline.
Comment: This sequence change replaces threonine, which is neutral and polar, with asparagine, which is neutral and polar, at codon 900 of the BRIP1 protein (p.Thr900Asn). This variant is not present in population databases (gnomAD no frequency). This variant has not been reported in the literature in individuals affected with BRIP1-related conditions. ClinVar contains an entry for this variant (Variation ID: 644119). Advanced modeling of protein sequence and biophysical properties (such as structural, functional, and spatial information, amino acid conservation, physicochemical variation, residue mobility, and thermodynamic stability) performed at Invitae indicates that this missense variant is not expected to disrupt BRIP1 protein function with a negative predictive value of 80%. In summary, the available evidence is currently insufficient to determine the role of this variant in disease. Therefore, it has been classified as a Variant of Uncertain Significance.